The following is an entry in ClinVar:

ClinVar aggregate classification (germline): Benign/Likely benign. Review status: criteria provided, multiple submitters, no conflicts (2 of 4 stars). 3 submissions from 3 submitters: Benign (1); Likely benign (1). 1 of the submissions does not count toward it. Last evaluated 2025-08-17.

Conditions:
Dilated cardiomyopathy 1W (CMD1W). Identifiers: Orphanet 154, MedGen C1969639, MONDO:0012667, OMIM 611407.
VCL-related disorder. Also called: VCL-related condition.
Cardiovascular phenotype. Identifiers: MedGen CN230736.

Allele frequency attached by ClinVar (database versions not stated): gnomAD below 0.00001 and 0.00003; TOPMed 0.00001; gnomAD exomes 0.00006; 1000 Genomes Project 30x 0.00016; 1000 Genomes Project 0.00020.
gnomAD v4.1: 99 of 1,614,072 alleles (0.0061%); highest among the groups gnomAD compares: South Asian, 0.11%; 1 homozygote.

Submissions (3):

Labcorp Genetics (formerly Invitae), Labcorp
Classification: Likely benign for Dilated cardiomyopathy 1W. Last evaluated: 2025-08-17. Review status: criteria provided, single submitter. Criteria: Invitae Variant Classification Sherloc (09022015). Collection method: clinical testing. Allele origin: germline.

Ambry Genetics
Classification: Benign for Cardiovascular phenotype. Last evaluated: 2023-08-24. Review status: criteria provided, single submitter. Criteria: Ambry Variant Classification Scheme 2023. Collection method: clinical testing. Allele origin: germline.

PreventionGenetics, part of Exact Sciences
Classification: Likely benign for VCL-related condition. Last evaluated: 2019-06-07. Review status: no assertion criteria provided. Collection method: clinical testing. Allele origin: germline. Not counted in ClinVar's aggregate classification.
Comment: This variant is classified as likely benign based on ACMG/AMP sequence variant interpretation guidelines (Richards et al. 2015 PMID: 25741868, with internal and published modifications).

NM_014000.3(VCL):c.2560C>T (p.Leu854=)

Gene: VCL (vinculin; plus strand). Cytogenetic location: 10q22.2.
Variant type: single nucleotide variant.
Coding change: c.2560C>T on transcript NM_014000.3 (MANE Select); coding-DNA position 2560, C replaced by T.
Protein change: p.Leu854=; no amino-acid change (leucine 854 retained).
Molecular consequence: synonymous variant.
Genome position (GRCh38, 1-based): chr10:74,108,971, C>T. VCF-style: chr10-74108971-C-T. GRCh37 (hg19) VCF-style: chr10-75868729-C-T.
Other names: c.2560C>T, p.Leu854= (NM_003373.4).
Identifiers: ClinVar variation 536718 (VCV000536718.12), dbSNP rs551463686, ClinGen allele CA5563261.